The following is an entry in ClinVar:

ClinVar aggregate classification (germline): Uncertain significance (1 of 4 stars; one submission).

Submission:

GeneDx
Classification: Uncertain significance. Last evaluated: 2019-02-08. Review status: criteria provided, single submitter. Criteria: GeneDx Variant Classification Process June 2021. Collection method: clinical testing. Allele origin: germline. Affected: yes.
Comment: Not observed in large population cohorts (Lek et al., 2016); In silico analysis supports that this missense variant has a deleterious effect on protein structure/function; Has not been previously published as pathogenic or benign to our knowledge

NM_001429.4(EP300):c.4487C>G (p.Thr1496Arg)

Gene: EP300 (E1A binding protein p300; plus strand). Cytogenetic location: 22q13.2.
Variant type: single nucleotide variant.
Coding change: c.4487C>G on transcript NM_001429.4 (MANE Select); coding-DNA position 4487, C replaced by G.
Protein change: p.Thr1496Arg; replaces threonine 1496 with arginine.
Molecular consequence: missense variant.
Genome position (GRCh38, 1-based): chr22:41,172,533, C>G. VCF-style: chr22-41172533-C-G. GRCh37 (hg19) VCF-style: chr22-41568537-C-G.
Other names: c.4409C>G, p.Thr1470Arg (NM_001362843.2); short protein forms T1470R, T1496R.
Identifiers: ClinVar variation 1305912 (VCV001305912.2), dbSNP rs2145770052, ClinGen allele CA411702654.
Genomic context (GRCh38, chr22:41,172,533, plus strand): 5'-CTATATGTACATGCATGTTTTCACAGGATATTTTTAAACAAGCTACTGAAGATAGATTAA[C>G]AAGTGCAAAGGAATTGCCTTATTTCGAGGGTGATTTCTGGCCCAATGTTCTGGAAGAAAG-3'
Protein context (NP_001420.2, residues 1486-1506): IFKQATEDRL[Thr1496Arg]SAKELPYFEG